The following is an entry in ClinVar:

ClinVar aggregate classification (germline): Uncertain significance (1 of 4 stars; one submission).

Conditions:
Intellectual developmental disorder, X-linked, syndromic, with pigmentary mosaicism and coarse facies. Identifiers: MedGen C5561930, MONDO:0859080, OMIM 301066.

Submission:

MVZ Medizinische Genetik Mainz
Classification: Uncertain significance for Intellectual developmental disorder, X-linked, syndromic, with pigmentary mosaicism and coarse facies. Last evaluated: 2025-03-21. Review status: criteria provided, single submitter. Criteria: UK Practice Guidelines For Variant Classification V4 01 2020. Collection method: clinical testing. Allele origin: germline. Inheritance: X-linked dominant inheritance. Affected: yes. Observed: 1 variant allele.
Comment: ACMG Criteria: PM2_SUP,PP3

NM_006521.6(TFE3):c.534+8G>A

Gene: TFE3 (transcription factor binding to IGHM enhancer 3; minus strand). Cytogenetic location: Xp11.23.
Variant type: single nucleotide variant.
Coding change: c.534+8G>A on transcript NM_006521.6 (MANE Select); 8 bases into the intron after coding-DNA position 534, G replaced by A.
Molecular consequence: intron variant.
Genome position (GRCh38, 1-based): chrX:49,039,099, C>T on the plus strand (G>A on the coding strand, the complement: TFE3 is on the minus strand). VCF-style: chrX-49039099-C-T. GRCh37 (hg19) VCF-style: chrX-48896624-C-T.
Other names: c.219+8G>A (NM_001282142.2).
Identifiers: ClinVar variation 3894567 (VCV003894567.1).